The following is an entry in ClinVar:

ClinVar aggregate classification (germline): Pathogenic. Review status: criteria provided, multiple submitters, no conflicts (2 of 4 stars). 3 submissions from 3 submitters: Pathogenic (2). 1 of the submissions does not count toward it. Last evaluated 2025-10-22.

Conditions:
Respiratory ciliopathies including non-CF bronchiectasis.
Primary ciliary dyskinesia. Also called: Ciliary dyskinesia. Identifiers: Orphanet 244, MedGen C0008780, MONDO:0016575, HP:0012265.

Allele frequency attached by ClinVar (database versions not stated): gnomAD 0.00001; gnomAD exomes 0.00001; TOPMed 0.00003; ESP Exome Variant Server 0.00008.
gnomAD v4.1: 41 of 1,610,196 alleles (0.0025%); highest among the groups gnomAD compares: Non-Finnish European, 0.0032%; no homozygotes.

Submissions (3):

Labcorp Genetics (formerly Invitae), Labcorp
Classification: Pathogenic for Primary ciliary dyskinesia. Last evaluated: 2025-10-22. Review status: criteria provided, single submitter. Criteria: Invitae Variant Classification Sherloc (09022015). Collection method: clinical testing. Allele origin: germline.
Comment: This sequence change creates a premature translational stop signal (p.Tyr452*) in the CCDC39 gene. It is expected to result in an absent or disrupted protein product. Loss-of-function variants in CCDC39 are known to be pathogenic (PMID: 21131972, 23255504). This variant is present in population databases (rs375839864, gnomAD 0.007%). This premature translational stop signal has been observed in individual(s) with primary ciliary dyskinesia (PMID: 30067075). ClinVar contains an entry for this variant (Variation ID: 1344600). For these reasons, this variant has been classified as Pathogenic.

NHS Central & South Genomic Laboratory Hub
Classification: Pathogenic for Respiratory ciliopathies including non-CF bronchiectasis. Last evaluated: 2025-04-09. Review status: criteria provided, single submitter. Criteria: ACMG Guidelines, 2015. Collection method: clinical testing. Allele origin: germline. Affected: yes.

Yale Center for Mendelian Genomics, Yale University
Classification: Likely pathogenic for Primary ciliary dyskinesia. Last evaluated: 2018-08-01. Review status: no assertion criteria provided. Collection method: literature only. Allele origin: germline. Affected: yes. Observed: 1 compound heterozygote. Study: Yale Center for Mendelian Genomics. Not counted in ClinVar's aggregate classification.

Literature cited by the submitters: PubMed 21131972 (cited by Labcorp Genetics (formerly Invitae), Labcorp); PubMed 23255504 (cited by Labcorp Genetics (formerly Invitae), Labcorp); PubMed 30067075 (cited by Labcorp Genetics (formerly Invitae), Labcorp and Yale Center for Mendelian Genomics, Yale University).

NM_181426.2(CCDC39):c.1356C>A (p.Tyr452Ter)

Gene: CCDC39 (coiled-coil domain 39 molecular ruler complex subunit; minus strand). Cytogenetic location: 3q26.33.
Variant type: single nucleotide variant.
Coding change: c.1356C>A on transcript NM_181426.2 (MANE Select); coding-DNA position 1356, C replaced by A.
Protein change: p.Tyr452Ter; replaces tyrosine 452 with a stop codon.
Molecular consequence: nonsense.
Genome position (GRCh38, 1-based): chr3:180,648,171, G>T on the plus strand (C>A on the coding strand, the complement: CCDC39 is on the minus strand). VCF-style: chr3-180648171-G-T. GRCh37 (hg19) VCF-style: chr3-180365959-G-T.
Other names: short protein forms Y452*.
Identifiers: ClinVar variation 1344600 (VCV001344600.5), dbSNP rs375839864, ClinGen allele CA88644682.